The following is an entry in ClinVar:

NM_001267550.2(TTN):c.76499T>C (p.Ile25500Thr)

Genes: TTN (titin; minus strand), TTN-AS1 (TTN antisense RNA 1; plus strand). Cytogenetic location: 2q31.2.
Variant type: single nucleotide variant.
Coding change: c.76499T>C on transcript NM_001267550.2 (MANE Select); coding-DNA position 76499, T replaced by C.
Protein change: p.Ile25500Thr; replaces isoleucine 25500 with threonine.
Molecular consequence: missense variant.
Genome position (GRCh38, 1-based): chr2:178,569,633, A>G on the plus strand (T>C on the coding strand, the complement: TTN is on the minus strand). VCF-style: chr2-178569633-A-G. GRCh37 (hg19) VCF-style: chr2-179434360-A-G.
Other names: c.71576T>C, p.Ile23859Thr (NM_001256850.1); c.49304T>C, p.Ile16435Thr (NM_003319.4); c.68795T>C, p.Ile22932Thr (NM_133378.4); c.49679T>C, p.Ile16560Thr (NM_133432.3); c.49880T>C, p.Ile16627Thr (NM_133437.4); short protein forms I23859T, I25500T, I16435T, I16560T, I16627T, I22932T.
Identifiers: ClinVar variation 1744205 (VCV001744205.2), dbSNP rs1485761373, ClinGen allele CA349615120.

ClinVar aggregate classification (germline): Uncertain significance (1 of 4 stars; one submission).

Conditions:
Cardiovascular phenotype. Identifiers: MedGen CN230736.

Allele frequency attached by ClinVar (database versions not stated): gnomAD exomes 0.00001; TOPMed 0.00001.
gnomAD v4.1: 4 of 1,611,974 alleles (0.00025%); highest among the groups gnomAD compares: East Asian, 0.0045%; no homozygotes.

Submission:

Ambry Genetics
Classification: Uncertain significance for Cardiovascular phenotype. Last evaluated: 2020-07-22. Review status: criteria provided, single submitter. Criteria: Ambry Variant Classification Scheme 2023. Collection method: clinical testing. Allele origin: germline.
Comment: The p.I16435T variant (also known as c.49304T>C), located in coding exon 153 of the TTN gene, results from a T to C substitution at nucleotide position 49304. The isoleucine at codon 16435 is replaced by threonine, an amino acid with similar properties. This amino acid position is poorly conserved in available vertebrate species. In addition, this alteration is predicted to be tolerated by in silico analysis. Since supporting evidence is limited at this time, the clinical significance of this alteration remains unclear.